The following is an entry in ClinVar:

NM_000135.4(FANCA):c.1226-4C>G

Gene: FANCA (FA complementation group A; minus strand). Cytogenetic location: 16q24.3.
Variant type: single nucleotide variant.
Coding change: c.1226-4C>G on transcript NM_000135.4 (MANE Select); 4 bases into the intron before coding-DNA position 1226, C replaced by G.
Molecular consequence: intron variant.
Genome position (GRCh38, 1-based): chr16:89,791,540, G>C on the plus strand (C>G on the coding strand, the complement: FANCA is on the minus strand). VCF-style: chr16-89791540-G-C. GRCh37 (hg19) VCF-style: chr16-89857948-G-C.
Other names: c.1226-4C>G (NM_000135.3, NM_001286167.3).
Identifiers: ClinVar variation 953609 (VCV000953609.10), dbSNP rs934483477, ClinGen allele CA286592384.

ClinVar aggregate classification (germline): Uncertain significance. Review status: criteria provided, multiple submitters, no conflicts (2 of 4 stars). 4 submissions from 4 submitters: Uncertain significance (3). 1 of the submissions does not count toward it. Last evaluated 2025-01-16.

Conditions:
Fanconi anemia (FA). Also called: Fanconi's anemia. Identifiers: Orphanet 84, MedGen C0015625, MeSH D005199, MONDO:0019391.
Fanconi anemia complementation group A (FANCA). Also called: Fanconi anemia, group A; FANCA-Related Fanconi Anemia. Identifiers: Orphanet 84, MedGen C3469521, MONDO:0009215, OMIM 227650.

Allele frequency attached by ClinVar (database versions not stated): gnomAD exomes below 0.00001; TOPMed 0.00005; gnomAD 0.00006.
gnomAD v4.1: 19 of 1,613,908 alleles (0.0012%); highest among the groups gnomAD compares: African/African-American, 0.021%; no homozygotes.

Submissions (4):

Quest Diagnostics Nichols Institute San Juan Capistrano
Classification: Uncertain significance. Last evaluated: 2025-01-16. Review status: criteria provided, single submitter. Criteria: Quest Diagnostics criteria. Collection method: clinical testing. Allele origin: unknown.
Comment: The FANCA c.1226-4C>G variant has not been reported in individuals with FANCA-related conditions in the published literature. The frequency of this variant in the general population (Genome Aggregation Database) is uninformative in the assessment of its pathogenicity. Analysis of this variant using software algorithms for the prediction of the effect of nucleotide changes on splicing yielded predictions that this variant may affect proper FANCA mRNA splicing. Based on the available information, we are unable to determine the clinical significance of this variant.

Fulgent Genetics
Classification: Uncertain significance for Fanconi anemia complementation group A. Last evaluated: 2024-02-16. Review status: criteria provided, single submitter. Criteria: ACMG Guidelines, 2015. Collection method: clinical testing. Allele origin: germline.

Labcorp Genetics (formerly Invitae), Labcorp
Classification: Uncertain significance for Fanconi anemia. Last evaluated: 2022-08-16. Review status: criteria provided, single submitter. Criteria: Invitae Variant Classification Sherloc (09022015). Collection method: clinical testing. Allele origin: germline.
Comment: This sequence change falls in intron 13 of the FANCA gene. It does not directly change the encoded amino acid sequence of the FANCA protein. This variant is present in population databases (no rsID available, gnomAD 0.02%). This variant has not been reported in the literature in individuals affected with FANCA-related conditions. ClinVar contains an entry for this variant (Variation ID: 953609). Algorithms developed to predict the effect of sequence changes on RNA splicing suggest that this variant may create or strengthen a splice site. In summary, the available evidence is currently insufficient to determine the role of this variant in disease. Therefore, it has been classified as a Variant of Uncertain Significance.

Natera, Inc.
Classification: Uncertain significance for Fanconi anemia. Last evaluated: 2020-09-23. Review status: no assertion criteria provided. Collection method: clinical testing. Allele origin: germline. Not counted in ClinVar's aggregate classification.